The following is an entry in ClinVar:

ClinVar aggregate classification (germline): Pathogenic/Likely pathogenic. Review status: criteria provided, multiple submitters, no conflicts (2 of 4 stars). 5 submissions from 5 submitters: Pathogenic (2); Likely pathogenic (1). 2 of the submissions do not count toward it. Last evaluated 2025-10-27.

Conditions:
Usher syndrome. Also called: Usher's syndrome; Usher Syndromes. Identifiers: Orphanet 886, MedGen CN469326, MeSH D052245, MONDO:0019501. Disease mechanism: loss of function.
Usher syndrome type 2A. Also called: RETINAL DISEASE IN USHER SYNDROME TYPE IIA, MODIFIER OF; USHER SYNDROME, TYPE IIA. Identifiers: Orphanet 231178, Orphanet 886, MedGen C1848634, MONDO:0010169, OMIM 276901.

Allele frequency attached by ClinVar (database versions not stated): TOPMed below 0.00001; gnomAD 0.00001.
gnomAD v4.1: 5 of 1,613,886 alleles (0.00031%); highest among the groups gnomAD compares: Non-Finnish European, 0.00042%; no homozygotes.

Submissions (5):

GeneDx
Classification: Likely pathogenic. Last evaluated: 2025-10-27. Review status: criteria provided, single submitter. Criteria: GeneDx Variant Classification Process June 2021. Collection method: clinical testing. Allele origin: germline. Affected: yes.
Comment: Not observed at significant frequency in large population cohorts (gnomAD); In silico analysis supports that this missense variant has a deleterious effect on protein structure/function; This variant is associated with the following publications: (PMID: 37322672, 28704108, 28127548)

Women's Health and Genetics/Laboratory Corporation of America, LabCorp
Classification: Pathogenic for Usher syndrome. Last evaluated: 2025-07-11. Review status: criteria provided, single submitter. Criteria: LabCorp Variant Classification Summary - May 2015. Collection method: clinical testing. Allele origin: germline.
Comment: Variant summary: USH2A c.13547G>C (p.Gly4516Ala) results in a non-conservative amino acid change located in the Fibronectin type III domain (IPR003961) of the encoded protein sequence. Algorithms developed to predict the effect of missense changes on protein structure and function all suggest that this variant is likely to be disruptive. The variant was absent in 250978 control chromosomes. c.13547G>C has been observed in the compound heterozygous state in individuals affected with Usher Syndrome or retinitis pigmentosa (Dedania_2018, Steensbert_2024, internal data). These data indicate that the variant is likely to be associated with disease. A different variant affecting the same codon has been classified as likely pathogenic/pathogenic by our lab (c.13546G>T, p.Gly4516Trp), supporting the critical relevance of codon 4516 to USH2A protein function. To our knowledge, no experimental evidence demonstrating an impact on protein function has been reported. The following publications have been ascertained in the context of this evaluation (PMID: 28704108, 37976142). ClinVar contains an entry for this variant (Variation ID: 498883). Based on the evidence outlined above, the variant was classified as pathogenic.

Labcorp Genetics (formerly Invitae), Labcorp
Classification: Pathogenic. Last evaluated: 2024-10-22. Review status: criteria provided, single submitter. Criteria: Invitae Variant Classification Sherloc (09022015). Collection method: clinical testing. Allele origin: germline.
Comment: This sequence change replaces glycine, which is neutral and non-polar, with alanine, which is neutral and non-polar, at codon 4516 of the USH2A protein (p.Gly4516Ala). This variant is not present in population databases (gnomAD no frequency). This missense change has been observed in individual(s) with clinical features of USH2A-related conditions (PMID: 28704108; internal data). In at least one individual the data is consistent with being in trans (on the opposite chromosome) from a pathogenic variant. ClinVar contains an entry for this variant (Variation ID: 498883). Invitae Evidence Modeling of protein sequence and biophysical properties (such as structural, functional, and spatial information, amino acid conservation, physicochemical variation, residue mobility, and thermodynamic stability) indicates that this missense variant is expected to disrupt USH2A protein function with a positive predictive value of 80%. This variant disrupts the p.Gly4516 amino acid residue in USH2A. Other variant(s) that disrupt this residue have been observed in individuals with USH2A-related conditions (PMID: 28127548), which suggests that this may be a clinically significant amino acid residue. For these reasons, this variant has been classified as Pathogenic.

Natera, Inc.
Classification: Likely pathogenic for Usher syndrome type 2A. Last evaluated: 2026-06-24. Review status: no assertion criteria provided. Collection method: clinical testing. Allele origin: germline. Not counted in ClinVar's aggregate classification.
Comment: The c.13547G>C variant in USH2A is a missense variant predicted to cause substitution of glycine to alanine at amino acid 4516. This variant is rare in the general population with a frequency below the threshold expected for the associated phenotype(s). This variant has been observed in one or more individuals affected with the associated recessive disease, as either homozygous or compound heterozygous with a second variant (PMID: 37976142). A different variant at the same position has been determined to be Pathogenic or Likely Pathogenic. Computational prediction algorithms indicate this variant is likely to affect gene or protein function. Given the available evidence, this variant is classified as Likely Pathogenic.

Eurofins Ntd Llc (ga)
Classification: Uncertain significance. Last evaluated: 2018-06-14. Review status: flagged submission. Criteria: EGL ClinVar v180209 classification definitions. Collection method: clinical testing. Allele origin: germline. Observed: 1 variant allele, 1 heterozygote. Not counted in ClinVar's aggregate classification.
ClinVar note: Reason: Older claim that does not account for recent evidence

Literature cited by the submitters: PubMed 28704108 (cited by Women's Health and Genetics/Laboratory Corporation of America, LabCorp and Labcorp Genetics (formerly Invitae), Labcorp); PubMed 37976142 (cited by Women's Health and Genetics/Laboratory Corporation of America, LabCorp and Natera, Inc.); PubMed 28127548 (cited by Labcorp Genetics (formerly Invitae), Labcorp).

NM_206933.4(USH2A):c.13547G>C (p.Gly4516Ala)

Gene: USH2A (usherin; minus strand). Cytogenetic location: 1q41.
Variant type: single nucleotide variant.
Coding change: c.13547G>C on transcript NM_206933.4 (MANE Select); coding-DNA position 13547, G replaced by C.
Protein change: p.Gly4516Ala; replaces glycine 4516 with alanine.
Molecular consequence: missense variant.
Genome position (GRCh38, 1-based): chr1:215,674,364, C>G on the plus strand (G>C on the coding strand, the complement: USH2A is on the minus strand). VCF-style: chr1-215674364-C-G. GRCh37 (hg19) VCF-style: chr1-215847706-C-G.
Other names: short protein forms G4516A.
Identifiers: ClinVar variation 498883 (VCV000498883.19), dbSNP rs774759345, ClinGen allele CA344844669.
Genomic context (GRCh38, chr1:215,674,364, plus strand): 5'-TCCATCCCTGAGGGTGCTGAGGGGCTGGTTCGATCTTTGACAAGAGGACTCAAAATACCC[C>G]CTTGGCTGTTGCTGGCAGTTACTGTGTAGCTATACTCCACACCTGGGGTGAGAGTAAAAT-3'
Protein context (NP_996816.3, residues 4506-4526): SYTVTASNSQ[Gly4516Ala]GILSPLVKDR